The following is an entry in ClinVar:

NM_001393769.1(MED12L):c.824C>A (p.Pro275Gln)

Gene: MED12L (mediator complex subunit 12L; plus strand). Cytogenetic location: 3q25.1.
Variant type: single nucleotide variant.
Coding change: c.824C>A on transcript NM_001393769.1 (MANE Select); coding-DNA position 824, C replaced by A.
Protein change: p.Pro275Gln; replaces proline 275 with glutamine.
Molecular consequence: missense variant.
Genome position (GRCh38, 1-based): chr3:151,158,786, C>A. VCF-style: chr3-151158786-C-A. GRCh37 (hg19) VCF-style: chr3-150876573-C-A.
Other names: c.824C>A, p.Pro275Gln (NM_053002.6); short protein forms P275Q.
Identifiers: ClinVar variation 4106003 (VCV004106003.3).

ClinVar aggregate classification (germline): Likely benign. Review status: criteria provided, multiple submitters, no conflicts (2 of 4 stars). 2 submissions from 2 submitters: Likely benign (2). Last evaluated 2026-03-01.

Conditions:
Inborn genetic diseases. Identifiers: MedGen C0950123, MeSH D030342.

gnomAD v4.1: 187 of 1,608,802 alleles (0.012%); highest among the groups gnomAD compares: South Asian, 0.1%; 1 homozygote.

Submissions (2):

CeGaT Center for Human Genetics Tuebingen
Classification: Likely benign. Last evaluated: 2026-03-01. Review status: criteria provided, single submitter. Criteria: CeGaT Center For Human Genetics Tuebingen Variant Classification Criteria Version 2. Collection method: clinical testing. Allele origin: germline. Affected: yes. Observed: 1 variant allele.
Comment: MED12L: BS1

Ambry Genetics
Classification: Likely benign for Inborn genetic diseases. Last evaluated: 2025-08-02. Review status: criteria provided, single submitter. Criteria: Ambry Variant Classification Scheme 2023. Collection method: clinical testing. Allele origin: germline.